The following is an entry in ClinVar:

NM_001378454.1(ALMS1):c.11098C>T (p.His3700Tyr)

Gene: ALMS1 (ALMS1 centrosome and basal body associated protein; plus strand). Cytogenetic location: 2p13.1.
Variant type: single nucleotide variant.
Coding change: c.11098C>T on transcript NM_001378454.1 (MANE Select); coding-DNA position 11098, C replaced by T.
Protein change: p.His3700Tyr; replaces histidine 3700 with tyrosine.
Molecular consequence: missense variant.
Genome position (GRCh38, 1-based): chr2:73,572,975, C>T. VCF-style: chr2-73572975-C-T. GRCh37 (hg19) VCF-style: chr2-73800102-C-T.
Other names: c.11101C>T, p.His3701Tyr (NM_015120.4); short protein forms H3700Y, H3701Y.
Identifiers: ClinVar variation 2632187 (VCV002632187.1), dbSNP rs2466445896, ClinGen allele CA347287310.
Genomic context (GRCh38, chr2:73,572,975, plus strand): 5'-AAAAGCCTAGAGAAAAGCCATAAAAATACAGGCGAGCTTAAAAAAAGCAAGGTGCTTTCT[C>T]ATCATCGAGCTGGGAGGTCTAATCAAATTAAAATTGAACAGATTAAATTTGATAAATATA-3'
Protein context (NP_001365383.1, residues 3690-3710): GELKKSKVLS[His3700Tyr]HRAGRSNQIK

ClinVar aggregate classification (germline): Pathogenic (1 of 4 stars; one submission).

Conditions:
ALMS1-related disorder. Also called: ALMS1-related condition.

Allele frequency attached by ClinVar (database versions not stated): gnomAD exomes below 0.00001.
gnomAD v4.1: 1 of 1,614,108 alleles (0.000062%); highest among the groups gnomAD compares: Non-Finnish European, 0.000085%; no homozygotes.

Submission:

PreventionGenetics, part of Exact Sciences
Classification: Pathogenic for ALMS1-related condition. Last evaluated: 2023-06-06. Review status: criteria provided, single submitter. Criteria: ACMG Guidelines, 2015. Collection method: clinical testing. Allele origin: germline.
Comment: The ALMS1 c.11101C>T variant is predicted to result in premature protein termination (p.Arg3701*). This variant, also described as c.11107C>T, has been reported in the compound heterozygous and homozygous state in many individuals with Alström syndrome (Bond et al. 2005. PubMed ID: 15689433; Minton et al. 2006. PubMed ID: 16720663; Liang et al. 2013. PubMed ID: 24049434; Edwards et al. 2015. PubMed ID: 26104972; Zmyslowska et al. 2015. PubMed ID: 26283575; Astuti et al. 2017. PubMed ID: 28432734; Baig et al. 2020. PubMed ID: 32503575). This variant is reported in 0.0027% of alleles in individuals of European (Non-Finnish) descent in gnomAD. Nonsense variants in ALMS1 are expected to be pathogenic. This variant is interpreted as pathogenic.